The following is an entry in ClinVar:

ClinVar aggregate classification (germline): Uncertain significance (1 of 4 stars; one submission).

Conditions:
Neutral lipid storage myopathy (NLSDM). Also called: NEUTRAL LIPID STORAGE DISEASE WITHOUT ICHTHYOSIS. Identifiers: Orphanet 98908, MedGen C1853136, MONDO:0012545, OMIM 610717.

Submission:

Labcorp Genetics (formerly Invitae), Labcorp
Classification: Uncertain significance for Neutral lipid storage myopathy. Last evaluated: 2022-04-09. Review status: criteria provided, single submitter. Criteria: Invitae Variant Classification Sherloc (09022015). Collection method: clinical testing. Allele origin: germline.
Comment: Algorithms developed to predict the effect of missense changes on protein structure and function (SIFT, PolyPhen-2, Align-GVGD) all suggest that this variant is likely to be disruptive. In summary, the available evidence is currently insufficient to determine the role of this variant in disease. Therefore, it has been classified as a Variant of Uncertain Significance. This sequence change replaces leucine, which is neutral and non-polar, with proline, which is neutral and non-polar, at codon 114 of the PNPLA2 protein (p.Leu114Pro). This variant is not present in population databases (gnomAD no frequency). This variant has not been reported in the literature in individuals affected with PNPLA2-related conditions.

NM_020376.4(PNPLA2):c.341T>C (p.Leu114Pro)

Gene: PNPLA2 (patatin like domain 2, triacylglycerol lipase; plus strand). Cytogenetic location: 11p15.5.
Variant type: single nucleotide variant.
Coding change: c.341T>C on transcript NM_020376.4 (MANE Select); coding-DNA position 341, T replaced by C.
Protein change: p.Leu114Pro; replaces leucine 114 with proline.
Molecular consequence: missense variant.
Genome position (GRCh38, 1-based): chr11:821,781, T>C. VCF-style: chr11-821781-T-C. GRCh37 (hg19) VCF-style: chr11-821781-T-C.
Other names: short protein forms L114P.
Identifiers: ClinVar variation 1969982 (VCV001969982.5), dbSNP rs2495553577, ClinGen allele CA378978358.